The following is an entry in ClinVar:

NM_000146.4(FTL):c.-120T>C

Gene: FTL (ferritin light chain; plus strand). Cytogenetic location: 19q13.33.
Variant type: single nucleotide variant.
Coding change: c.-120T>C on transcript NM_000146.4 (MANE Select); 120 bases upstream of the start codon, T replaced by C.
Molecular consequence: 5 prime UTR variant.
Genome position (GRCh38, 1-based): chr19:48,965,388, T>C. VCF-style: chr19-48965388-T-C. GRCh37 (hg19) VCF-style: chr19-49468645-T-C.
Identifiers: ClinVar variation 3761640 (VCV003761640.2).

ClinVar aggregate classification (germline): Uncertain significance (1 of 4 stars; one submission).

Conditions:
Hereditary hyperferritinemia with congenital cataracts. Also called: Hereditary hyperferritinemia cataract syndrome; Bonneau-Beaumont syndrome; HYPERFERRITINEMIA WITH OR WITHOUT CATARACT. Identifiers: Orphanet 163, MedGen C1833213, MONDO:0010952, OMIM 600886.
Neuroferritinopathy (NBIA3). Also called: NEURODEGENERATION WITH BRAIN IRON ACCUMULATION 3; BASAL GANGLIA DISEASE, ADULT-ONSET. Identifiers: Orphanet 157846, MedGen C1853578, MONDO:0011638, OMIM 606159.

Submission:

Labcorp Genetics (formerly Invitae), Labcorp
Classification: Uncertain significance for Neuroferritinopathy; Hereditary hyperferritinemia with congenital cataracts. Last evaluated: 2025-12-31. Review status: criteria provided, single submitter. Criteria: Invitae Variant Classification Sherloc (09022015). Collection method: clinical testing. Allele origin: germline.
Comment: This variant occurs in a non-coding region of the FTL gene. It does not change the encoded amino acid sequence of the FTL protein. This variant is not present in population databases (gnomAD no frequency). This variant has not been reported in the literature in individuals affected with FTL-related conditions. ClinVar contains an entry for this variant (Variation ID: 3761640). In summary, the available evidence is currently insufficient to determine the role of this variant in disease. Therefore, it has been classified as a Variant of Uncertain Significance.